The following is an entry in ClinVar:

ClinVar aggregate classification (germline): Uncertain significance. Review status: criteria provided, single submitter (1 of 4 stars). 2 submissions from 2 submitters: Uncertain significance (1). 1 of the submissions does not count toward it. Last evaluated 2022-10-17.

Conditions:
Retinal dystrophy. Also called: Inherited retinal dystrophy. Identifiers: Orphanet 71862, MedGen C0854723, MeSH D058499, MONDO:0019118, HP:0000556.

Allele frequency attached by ClinVar (database versions not stated): gnomAD exomes below 0.00001; TOPMed below 0.00001.
gnomAD v4.1: 1 of 1,609,444 alleles (0.000062%); highest among the groups gnomAD compares: Non-Finnish European, 0.000085%; no homozygotes.

Submissions (2):

Labcorp Genetics (formerly Invitae), Labcorp
Classification: Uncertain significance. Last evaluated: 2022-10-17. Review status: criteria provided, single submitter. Criteria: Invitae Variant Classification Sherloc (09022015). Collection method: clinical testing. Allele origin: germline.
Comment: This sequence change falls in intron 43 of the ABCA4 gene. It does not directly change the encoded amino acid sequence of the ABCA4 protein. It affects a nucleotide within the consensus splice site. This variant is not present in population databases (gnomAD no frequency). This variant has been observed in individual(s) with clinical features of Stargardt Disease (Invitae). ClinVar contains an entry for this variant (Variation ID: 1042746). Variants that disrupt the consensus splice site are a relatively common cause of aberrant splicing (PMID: 17576681, 9536098). Algorithms developed to predict the effect of sequence changes on RNA splicing suggest that this variant may disrupt the consensus splice site. In summary, the available evidence is currently insufficient to determine the role of this variant in disease. Therefore, it has been classified as a Variant of Uncertain Significance.

Institute of Human Genetics, Univ. Regensburg, Univ. Regensburg
Classification: Uncertain significance for Retinal dystrophy. Last evaluated: 2022-01-01. Review status: no assertion criteria provided. Criteria: ACMG Guidelines, 2015. Collection method: clinical testing. Allele origin: germline. Affected: yes. Not counted in ClinVar's aggregate classification.

Literature cited by the submitters: PubMed 17576681 (cited by Labcorp Genetics (formerly Invitae), Labcorp); PubMed 9536098 (cited by Labcorp Genetics (formerly Invitae), Labcorp).

NM_000350.3(ABCA4):c.6005+5G>A

Gene: ABCA4 (ATP binding cassette subfamily A member 4; minus strand). Cytogenetic location: 1p22.1.
Variant type: single nucleotide variant.
Coding change: c.6005+5G>A on transcript NM_000350.3 (MANE Select); 5 bases into the intron after coding-DNA position 6005, G replaced by A.
Molecular consequence: intron variant.
Genome position (GRCh38, 1-based): chr1:94,007,629, C>T on the plus strand (G>A on the coding strand, the complement: ABCA4 is on the minus strand). VCF-style: chr1-94007629-C-T. GRCh37 (hg19) VCF-style: chr1-94473185-C-T.
Identifiers: ClinVar variation 1042746 (VCV001042746.8), dbSNP rs1331785486, ClinGen allele CA740505260.